The following is an entry in ClinVar:

ClinVar aggregate classification (germline): Pathogenic. Review status: criteria provided, multiple submitters, no conflicts (2 of 4 stars). 7 submissions from 7 submitters: Pathogenic (6). 1 of the submissions does not count toward it. Last evaluated 2025-05-07.

Conditions:
Inborn genetic diseases. Identifiers: MedGen C0950123, MeSH D030342.
Heart defects, congenital, and other congenital anomalies. Also called: Pancreatic hypoplasia-diabetes-congenital heart disease syndrome; PANCREATIC HYPOPLASIA, CONGENITAL, WITH DIABETES MELLITUS AND CONGENITAL HEART DISEASE. Identifiers: Orphanet 2255, MedGen C2931296, MONDO:0010802, OMIM 600001.
Abnormal cardiovascular system morphology. Also called: Abnormality of cardiovascular system morphology. Identifiers: MedGen C4049796, HP:0030680.
Congenital diaphragmatic hernia. Also called: DIH; Congenital diaphragmatic defect; Unilateral agenesis of diaphragm; Agenesis of hemidiaphragm. Identifiers: Orphanet 2140, MedGen C0235833, MeSH D065630, MONDO:0005711, HP:0000776.
Atrioventricular septal defect 5 (AVSD5). Identifiers: MedGen C3280939, MONDO:0013769, OMIM 614474.

Allele frequency attached by ClinVar (database versions not stated): ExAC 0.00001.

Submissions (7):

Laboratoire de Génétique Moléculaire, CHU Bordeaux
Classification: Pathogenic for Atrioventricular septal defect 5. Last evaluated: 2025-05-07. Review status: criteria provided, single submitter. Criteria: ACMG Guidelines, 2015. Collection method: clinical testing. Allele origin: germline. Affected: yes.

Ambry Genetics
Classification: Pathogenic for Inborn genetic diseases. Last evaluated: 2024-09-16. Review status: criteria provided, single submitter. Criteria: Ambry Variant Classification Scheme 2023. Collection method: clinical testing. Allele origin: germline.
Comment: The c.1366C>T (p.R456C) alteration is located in exon 4 (coding exon 3) of the GATA6 gene. This alteration results from a C to T substitution at nucleotide position 1366, causing the arginine (R) at amino acid position 456 to be replaced by a cysteine (C). The GATA6 c.1366C>T alteration was flagged as a low confidence call in the Genome Aggregation Database (gnomAD). This variant has been determined to be the result of a de novo mutation in multiple individuals with features consistent with GATA6-related pancreatic agenesis and congenital heart defects (Allen, 2011; Yu, 2014). This amino acid position is highly conserved in available vertebrate species. This alteration is predicted to be deleterious by in silico analysis. Based on the available evidence, this alteration is classified as pathogenic.

GeneDx
Classification: Pathogenic. Last evaluated: 2023-06-23. Review status: criteria provided, single submitter. Criteria: GeneDx Variant Classification Process June 2021. Collection method: clinical testing. Allele origin: germline. Affected: yes.
Comment: Published functional studies demonstrate a damaging effect by a loss of function for the transcription factor (Lango Allen H, 2012, 22158542); Not observed at significant frequency in large population cohorts (gnomAD); In silico analysis, which includes protein predictors and evolutionary conservation, supports a deleterious effect; This variant is associated with the following publications: (PMID: 34850017, 34905512, 28938416, 32207556, 28303347, 32531870, 24385578, 22158542)

Baylor Genetics
Classification: Pathogenic for Heart defects, congenital, and other congenital anomalies. Last evaluated: 2022-07-21. Review status: criteria provided, single submitter. Criteria: ACMG Guidelines, 2015. Collection method: clinical testing. Allele origin: unknown.

Laboratory of Human Genetics, Universidade de São Paulo
Classification: Pathogenic for Heart defects, congenital, and other congenital anomalies. Last evaluated: 2022-05-13. Review status: criteria provided, single submitter. Criteria: ACMG Guidelines, 2015. Collection method: research. Allele origin: de novo. Affected: yes. Observed: 1 heterozygote.
Comment: This variant meets our criteria to be classified as pathogenic based upon segregation studies, absence from controls, and in-silico evaluation of pathogenicity.

Dobyns Lab, Seattle Children's Research Institute
Classification: Pathogenic for Congenital diaphragmatic hernia; Malformation of the heart and great vessels. Last evaluated: 2014-01-24. Review status: criteria provided, single submitter. Criteria: Yu et al. (J Med Genet. 2014 ). Collection method: research. Allele origin: de novo. Affected: yes. Observed: 1 variant allele.

OMIM
Classification: Pathogenic for HEART DEFECTS, CONGENITAL, AND OTHER CONGENITAL ANOMALIES. Last evaluated: 2014-03-01. Review status: no assertion criteria provided. Collection method: literature only. Allele origin: germline. Not counted in ClinVar's aggregate classification.

Literature cited by the submitters: PubMed 22158542 (cited by Ambry Genetics and OMIM); PubMed 24385578 (cited by Ambry Genetics and OMIM).

NM_005257.6(GATA6):c.1366C>T (p.Arg456Cys)

Gene: GATA6 (GATA binding protein 6; plus strand). Cytogenetic location: 18q11.2.
Variant type: single nucleotide variant.
Coding change: c.1366C>T on transcript NM_005257.6 (MANE Select); coding-DNA position 1366, C replaced by T.
Protein change: p.Arg456Cys; replaces arginine 456 with cysteine.
Molecular consequence: missense variant.
Genome position (GRCh38, 1-based): chr18:22,181,516, C>T. VCF-style: chr18-22181516-C-T. GRCh37 (hg19) VCF-style: chr18-19761477-C-T.
Other names: c.1366C>T (NM_005257.3, NM_005257.5); short protein forms R456C.
Identifiers: ClinVar variation 30213 (VCV000030213.10), dbSNP rs387906818, ClinGen allele CA129029.
Genomic context (GRCh38, chr18:22,181,516, plus strand): 5'-TCATCACGGCGGCTTGGATTGTCCTGTGCCAACTGTCACACCACAACTACCACCTTATGG[C>T]GCAGAAACGCCGAGGGTGAACCCGTGTGCAATGCTTGTGGACTCTACATGAAACTCCATG-3'
Protein context (NP_005248.2, residues 446-466): NCHTTTTTLW[Arg456Cys]RNAEGEPVCN